The following is an entry in ClinVar:

NM_001876.4(CPT1A):c.-49TGCCGC[2]

Gene: CPT1A (carnitine palmitoyltransferase 1A; minus strand). Cytogenetic location: 11q13.3.
Variant type: Microsatellite.
Coding change: c.-49TGCCGC[2] on transcript NM_001876.4 (MANE Select); two copies in a row of the 6-base unit TGCCGC starting at c.-49; the reference has three copies in a row; one copy, 6 bases deleted.
Molecular consequence: 5 prime UTR variant.
Genome position (GRCh38, 1-based): chr11:68,841,793-68,841,798, GCGGCA deleted on the plus strand (TGCCGC on the coding strand, the reverse complement: CPT1A is on the minus strand); deleting any 6 consecutive bases within chr11:68,841,793-68,841,815 gives the same sequence; the position shown is the placement nearest the transcript's 3' end. VCF-style (leftmost placement, unchanged base first): chr11-68841792-TGCGGCA-T. GRCh37 (hg19) VCF-style: chr11-68609260-TGCGGCA-T.
Other names: c.-49TGCCGC[2] (NM_001031847.3).
Identifiers: ClinVar variation 418146 (VCV000418146.1), dbSNP rs528519032, ClinGen allele CA16619393.

ClinVar aggregate classification (germline): Likely benign (1 of 4 stars; one submission).

Submission:

GeneDx
Classification: Likely benign. Last evaluated: 2018-02-05. Review status: criteria provided, single submitter. Criteria: GeneDx Variant Classification (06012015). Collection method: clinical testing. Allele origin: germline. Affected: yes.
Comment: This variant is considered likely benign or benign based on one or more of the following criteria: it is a conservative change, it occurs at a poorly conserved position in the protein, it is predicted to be benign by multiple in silico algorithms, and/or has population frequency not consistent with disease.